The following is an entry in ClinVar:

ClinVar aggregate classification (germline): Likely pathogenic (1 of 4 stars; one submission).

Conditions:
Niemann-Pick disease, type C1. Also called: NIEMANN-PICK DISEASE, VARIANT TYPE C1; NEUROVISCERAL STORAGE DISEASE WITH VERTICAL SUPRANUCLEAR OPHTHALMOPLEGIA; NIEMANN-PICK DISEASE WITH CHOLESTEROL ESTERIFICATION BLOCK; NIEMANN-PICK DISEASE WITHOUT SPHINGOMYELINASE DEFICIENCY; NIEMANN-PICK DISEASE, CHRONIC NEURONOPATHIC FORM. Identifiers: Orphanet 646, MedGen C3179455, MONDO:0009757, OMIM 257220.

Submission:

Neuberg Centre For Genomic Medicine, NCGM
Classification: Likely pathogenic for Niemann-Pick disease, type C1. Review status: criteria provided, single submitter. Criteria: ACMG Guidelines, 2015. Collection method: clinical testing. Allele origin: germline. Inheritance: Autosomal recessive inheritance. Affected: yes.
Comment: The frame shift variant has not been reported previously as a pathogenic variant nor as a benign variant, to our knowledge. The p.Phe692ValfsTer22 variant is novel (not in any individuals) in gnomAD Exomes and 1000 Genomes. This variant has not been reported to the ClinVar database. This variant causes a frameshift starting with codon Phenylalanine 692, changes this amino acid to Valine residue, and creates a premature Stop codon at position 22 of the new reading frame, denoted p.Phe692ValfsTer22. This variant is predicted to cause loss of normal protein function through protein truncation. Loss of function variants have been previously reported to be disease causing. For these reasons, this variant has been classified as Likely Pathogenic. In the absence of another het erozygous variant , the molecular diagnosis is not confirmed.

NM_000271.5(NPC1):c.2072dup (p.Phe692fs)

Gene: NPC1 (NPC intracellular cholesterol transporter 1; minus strand). Cytogenetic location: 18q11.2.
Variant type: Duplication.
Coding change: c.2072dup on transcript NM_000271.5 (MANE Select); coding-DNA position 2072, one base duplicated (C; older notation c.2072dupC).
Protein change: p.Phe692fs; shifts the reading frame from phenylalanine 692.
Molecular consequence: frameshift variant.
Genome position (GRCh38, 1-based): chr18:23,544,402, G duplicated on the plus strand (C on the coding strand, the reverse complement: NPC1 is on the minus strand); the first of 3 consecutive G bases (chr18:23,544,402-23,544,404); duplicating any one gives the same sequence. VCF-style (leftmost placement, unchanged base first): chr18-23544401-C-CG. GRCh37 (hg19) VCF-style: chr18-21124365-C-CG.
Other names: short protein forms F692fs.
Identifiers: ClinVar variation 2585114 (VCV002585114.1), dbSNP rs2511234988, ClinGen allele CA2582342333.
Genomic context (GRCh38, chr18:23,544,401, plus strand): 5'-TACCTGGTAGGCCTGCACCAGAATGAAGATGTTGTCCACTCCAACAGCCAGCACCAGGAA[C>CG]GGGATGACTTCAATCACAATGAGGGTCAAGGGCAACCCAATGTAGCTGAAGACACCCAAG-3'